The following is an entry in ClinVar:

NM_178013.4(PRIMA1):c.149A>T (p.His50Leu)

Gene: PRIMA1 (proline rich membrane anchor 1; minus strand). Cytogenetic location: 14q32.12.
Variant type: single nucleotide variant.
Coding change: c.149A>T on transcript NM_178013.4 (MANE Select); coding-DNA position 149, A replaced by T.
Protein change: p.His50Leu; replaces histidine 50 with leucine.
Molecular consequence: missense variant.
Genome position (GRCh38, 1-based): chr14:93,779,256, T>A on the plus strand (A>T on the coding strand, the complement: PRIMA1 is on the minus strand). VCF-style: chr14-93779256-T-A. GRCh37 (hg19) VCF-style: chr14-94245602-T-A.
Other names: short protein forms H50L.
Identifiers: ClinVar variation 1023789 (VCV001023789.10), dbSNP rs1885313756, ClinGen allele CA391145930.

ClinVar aggregate classification (germline): Uncertain significance (1 of 4 stars; one submission).

Conditions:
Familial sleep-related hypermotor epilepsy. Also called: Autosomal Dominant Sleep-Related Hypermotor (Hyperkinetic) Epilepsy. Identifiers: Orphanet 98784, MedGen C3696898, MONDO:0000030.

Allele frequency attached by ClinVar (database versions not stated): gnomAD exomes below 0.00001.
gnomAD v4.1: 1 of 1,538,914 alleles (0.000065%); highest among the groups gnomAD compares: Non-Finnish European, 0.000087%; no homozygotes.

Submission:

Labcorp Genetics (formerly Invitae), Labcorp
Classification: Uncertain significance for Familial sleep-related hypermotor epilepsy. Last evaluated: 2023-11-27. Review status: criteria provided, single submitter. Criteria: Invitae Variant Classification Sherloc (09022015). Collection method: clinical testing. Allele origin: germline.
Comment: This sequence change replaces histidine, which is basic and polar, with leucine, which is neutral and non-polar, at codon 50 of the PRIMA1 protein (p.His50Leu). This variant is not present in population databases (gnomAD no frequency). This variant has not been reported in the literature in individuals affected with PRIMA1-related conditions. ClinVar contains an entry for this variant (Variation ID: 1023789). An algorithm developed to predict the effect of missense changes on protein structure and function (PolyPhen-2) suggests that this variant is likely to be tolerated. In summary, the available evidence is currently insufficient to determine the role of this variant in disease. Therefore, it has been classified as a Variant of Uncertain Significance.